The following is an entry in ClinVar:

NM_002451.4(MTAP):c.*2188C>T

Gene: MTAP (methylthioadenosine phosphorylase; plus strand). Cytogenetic location: 9p21.3.
Variant type: single nucleotide variant.
Coding change: c.*2188C>T on transcript NM_002451.4 (MANE Select); 2188 bases downstream of the stop codon, C replaced by T.
Molecular consequence: 3 prime UTR variant.
Genome position (GRCh38, 1-based): chr9:21,864,202, C>T. VCF-style: chr9-21864202-C-T. GRCh37 (hg19) VCF-style: chr9-21864201-C-T.
Identifiers: ClinVar variation 913499 (VCV000913499.4), dbSNP rs117300281, ClinGen allele CA190729074.

ClinVar aggregate classification (germline): Benign (1 of 4 stars; one submission).

Conditions:
Diaphyseal medullary stenosis-bone malignancy syndrome. Also called: MYOPATHY, LIMB-GIRDLE, WITH BONE FRAGILITY; BONE DYSPLASIA WITH MALIGNANT FIBROUS HISTIOCYTOMA; BONE DYSPLASIA WITH MEDULLARY FIBROSARCOMA. Identifiers: Orphanet 85182, MedGen C1862177, MONDO:0007205, OMIM 112250.

Allele frequency attached by ClinVar (database versions not stated): gnomAD exomes below 0.00001; gnomAD 0.00001 and 0.00005; TOPMed 0.00002; 1000 Genomes Project 30x 0.00047; 1000 Genomes Project 0.00060.
gnomAD v4.1: 8 of 985,362 alleles (0.00081%); highest among the groups gnomAD compares: East Asian, 0.091%; no homozygotes.

Submission:

Illumina Laboratory Services, Illumina
Classification: Benign for Diaphyseal medullary stenosis-bone malignancy syndrome. Last evaluated: 2018-01-12. Review status: criteria provided, single submitter. Criteria: ICSL Variant Classification Criteria 13 December 2019. Collection method: clinical testing. Allele origin: germline.
Comment: This variant was observed in the ICSL laboratory as part of a predisposition screen in an ostensibly healthy population. It had not been previously curated by ICSL or reported in the Human Gene Mutation Database (HGMD: prior to June 1st, 2018), and was therefore a candidate for classification through an automated scoring system. Utilizing variant allele frequency, disease prevalence and penetrance estimates, and inheritance mode, an automated score was calculated to assess if this variant is too frequent to cause the disease. Based on the score and internal cut-off values, a variant classified as benign is not then subjected to further curation. The score for this variant resulted in a classification of benign for this disease.